The following is an entry in ClinVar:

NM_015338.6(ASXL1):c.319G>A (p.Asp107Asn)

Gene: ASXL1 (ASXL transcriptional regulator 1; plus strand). Cytogenetic location: 20q11.21.
Variant type: single nucleotide variant.
Coding change: c.319G>A on transcript NM_015338.6 (MANE Select); coding-DNA position 319, G replaced by A.
Protein change: p.Asp107Asn; replaces aspartic acid 107 with asparagine.
Molecular consequence: missense variant.
Genome position (GRCh38, 1-based): chr20:32,428,194, G>A. VCF-style: chr20-32428194-G-A. GRCh37 (hg19) VCF-style: chr20-31015997-G-A.
Other names: c.289G>A, p.Asp97Asn (NM_001363734.1); short protein forms D107N, D97N.
Identifiers: ClinVar variation 4159236 (VCV004159236.1).

ClinVar aggregate classification (germline): Uncertain significance (1 of 4 stars; one submission).

Conditions:
Inborn genetic diseases. Identifiers: MedGen C0950123, MeSH D030342.

gnomAD v4.1: 1 of 1,614,184 alleles (0.000062%); highest among the groups gnomAD compares: Non-Finnish European, 0.000085%; no homozygotes.

Submission:

Ambry Genetics
Classification: Uncertain significance for Inborn genetic diseases. Last evaluated: 2025-08-28. Review status: criteria provided, single submitter. Criteria: Ambry Variant Classification Scheme 2023. Collection method: clinical testing. Allele origin: germline.
Comment: The p.D107N variant (also known as c.319G>A), located in coding exon 5 of the ASXL1 gene, results from a G to A substitution at nucleotide position 319. The aspartic acid at codon 107 is replaced by asparagine, an amino acid with highly similar properties. This amino acid position is conserved. In addition, this alteration is predicted to be tolerated by in silico analysis. Based on the available evidence, the clinical significance of this variant remains unclear.